The following is an entry in ClinVar:

ClinVar aggregate classification (germline): Uncertain significance (1 of 4 stars; one submission).

gnomAD v4.1: 1 of 1,614,128 alleles (0.000062%); highest among the groups gnomAD compares: Non-Finnish European, 0.000085%; no homozygotes.

Submission:

GeneDx
Classification: Uncertain significance. Last evaluated: 2025-01-02. Review status: criteria provided, single submitter. Criteria: GeneDx Variant Classification Process June 2021. Collection method: clinical testing. Allele origin: germline. Affected: yes.
Comment: Not observed at significant frequency in large population cohorts (gnomAD); In silico analysis supports that this missense variant has a deleterious effect on protein structure/function; Has not been previously published as pathogenic or benign to our knowledge

NM_001349253.2(SCN11A):c.5066T>C (p.Phe1689Ser)

Gene: SCN11A (sodium voltage-gated channel alpha subunit 11; minus strand). Cytogenetic location: 3p22.2.
Variant type: single nucleotide variant.
Coding change: c.5066T>C on transcript NM_001349253.2 (MANE Select); coding-DNA position 5066, T replaced by C.
Protein change: p.Phe1689Ser; replaces phenylalanine 1689 with serine.
Molecular consequence: missense variant.
Genome position (GRCh38, 1-based): chr3:38,847,004, A>G on the plus strand (T>C on the coding strand, the complement: SCN11A is on the minus strand). VCF-style: chr3-38847004-A-G. GRCh37 (hg19) VCF-style: chr3-38888495-A-G.
Other names: c.5066T>C, p.Phe1689Ser (NM_014139.3); short protein forms F1689S.
Identifiers: ClinVar variation 4055992 (VCV004055992.1).